The following is an entry in ClinVar:

NM_173076.3(ABCA12):c.4601C>T (p.Thr1534Met)

Gene: ABCA12 (ATP binding cassette subfamily A member 12; minus strand). Cytogenetic location: 2q35.
Variant type: single nucleotide variant.
Coding change: c.4601C>T on transcript NM_173076.3 (MANE Select); coding-DNA position 4601, C replaced by T.
Protein change: p.Thr1534Met; replaces threonine 1534 with methionine.
Molecular consequence: missense variant. On other transcripts: non-coding transcript variant (1).
Genome position (GRCh38, 1-based): chr2:214,980,622, G>A on the plus strand (C>T on the coding strand, the complement: ABCA12 is on the minus strand). VCF-style: chr2-214980622-G-A. GRCh37 (hg19) VCF-style: chr2-215845346-G-A.
Other names: c.3647C>T, p.Thr1216Met (NM_015657.4); short protein forms T1216M, T1534M.
Identifiers: ClinVar variation 3585390 (VCV003585390.2).

ClinVar aggregate classification (germline): Conflicting classifications of pathogenicity. Review status: criteria provided, conflicting classifications (1 of 4 stars). 2 submissions from 2 submitters: Likely pathogenic (1); Uncertain significance (1). Last evaluated 2024-10-15.

Conditions:
Autosomal recessive congenital ichthyosis 4A (LI2). Also called: ICHTHYOSIS CONGENITA IIB. Identifiers: Orphanet 313, MedGen C1832550, MONDO:0011026, OMIM 601277.
Autosomal recessive congenital ichthyosis 4B (ARCI4B). Also called: Ichthyosis, congenital, autosomal recessive 4B (harlequin); ICHTHYOSIS CONGENITA, HARLEQUIN FETUS TYPE; HARLEQUIN ICHTHYOSIS; Harlequin Fetus. Identifiers: Orphanet 457, MedGen C0598226, MONDO:0009443, OMIM 242500.

gnomAD v4.1: 9 of 1,614,080 alleles (0.00056%); highest among the groups gnomAD compares: Middle Eastern, 0.017%; no homozygotes.

Submissions (2):

3billion
Classification: Uncertain significance for Autosomal recessive congenital ichthyosis 4A. Last evaluated: 2024-10-15. Review status: criteria provided, single submitter. Criteria: ACMG Guidelines, 2015. Collection method: clinical testing. Allele origin: germline. Affected: yes.
Comment: The variant is observed at an extremely low frequency in the gnomAD v4.1.0 dataset (total allele frequency: <0.001%). Predicted Consequence/Location: Missense variant. The majority of the known disease-causing variants of this gene are variants expected to result in premature termination of the protein. In silico tool predictions suggest damaging effect of the variant on gene or gene product [REVEL: 0.90 (>=0.6, sensitivity 0.68 and specificity 0.92); 3Cnet: 0.74 (>=0.6, sensitivity 0.72 and precision 0.9)]. The same nucleotide change resulting in the same amino acid change has been previously reported to be associated with ABCA12 related disorder (PMID: 36980989). However, the evidence of pathogenicity is insufficient at this time. The variant has been reported to be in trans with a pathogenic variant as either compound heterozygous or homozygous in at least one similarly affected unrelated individual (PMID: 36980989). Therefore, this variant is classified as VUS according to the recommendation of ACMG/AMP guideline.

Fulgent Genetics
Classification: Likely pathogenic for Autosomal recessive congenital ichthyosis 4B; Autosomal recessive congenital ichthyosis 4A. Last evaluated: 2024-03-25. Review status: criteria provided, single submitter. Criteria: ACMG Guidelines, 2015. Collection method: clinical testing. Allele origin: germline.

Literature cited by the submitters: PubMed 36980989 (cited by 3billion).